The following is an entry in ClinVar:

NM_003376.6(VEGFA):c.288G>A (p.Glu96=)

Gene: VEGFA (vascular endothelial growth factor A; plus strand). Cytogenetic location: 6p21.1.
Variant type: single nucleotide variant.
Coding change: c.288G>A on transcript NM_003376.6 (MANE Select); coding-DNA position 288, G replaced by A.
Protein change: p.Glu96=; no amino-acid change (glutamic acid 96 retained).
Molecular consequence: synonymous variant. On other transcripts: 5 prime UTR variant (10).
Genome position (GRCh38, 1-based): chr6:43,770,994, G>A. VCF-style: chr6-43770994-G-A. GRCh37 (hg19) VCF-style: chr6-43738731-G-A.
Other names: c.288G>A, p.Glu96= (NM_001025366.3, NM_001025367.3, NM_001025368.3 and 5 more transcripts); c.-253G>A (NM_001171623.2, NM_001171624.2, NM_001171625.2 and 7 more transcripts).
Identifiers: ClinVar variation 3044111 (VCV003044111.2), dbSNP rs1423832768, ClinGen allele CA450386002.

ClinVar aggregate classification (germline): Likely benign (0 of 4 stars; one submission).

Conditions:
VEGFA-related disorder. Also called: VEGFA-related condition.

Allele frequency attached by ClinVar (database versions not stated): gnomAD exomes below 0.00001; gnomAD 0.00002.
gnomAD v4.1: 7 of 1,541,876 alleles (0.00045%); highest among the groups gnomAD compares: African/African-American, 0.0083%; no homozygotes.

Submission:

PreventionGenetics, part of Exact Sciences
Classification: Likely benign for VEGFA-related condition. Last evaluated: 2019-06-01. Review status: no assertion criteria provided. Collection method: clinical testing. Allele origin: germline.
Comment: This variant is classified as likely benign based on ACMG/AMP sequence variant interpretation guidelines (Richards et al. 2015 PMID: 25741868, with internal and published modifications).